The following is an entry in ClinVar:

ClinVar aggregate classification (germline): Pathogenic (1 of 4 stars; one submission).

Conditions:
Duchenne muscular dystrophy (DMD). Also called: MUSCULAR DYSTROPHY, PSEUDOHYPERTROPHIC PROGRESSIVE, DUCHENNE TYPE; Duchenne Muscular Dystrophy (DMD). Identifiers: Orphanet 98896, MedGen C0013264, MONDO:0010679, OMIM 310200.

Submission:

Labcorp Genetics (formerly Invitae), Labcorp
Classification: Pathogenic for Duchenne muscular dystrophy. Last evaluated: 2022-04-12. Review status: criteria provided, single submitter. Criteria: Invitae Variant Classification Sherloc (09022015). Collection method: clinical testing. Allele origin: germline.
Comment: This sequence change creates a premature translational stop signal (p.Glu2317*) in the DMD gene. It is expected to result in an absent or disrupted protein product. Loss-of-function variants in DMD are known to be pathogenic (PMID: 16770791, 25007885). This variant is not present in population databases (gnomAD no frequency). This premature translational stop signal has been observed in individual(s) with Duchenne muscular dystrophy (PMID: 28859693). ClinVar contains an entry for this variant (Variation ID: 1322616). For these reasons, this variant has been classified as Pathogenic.

Literature cited by the submitters: PubMed 16770791; PubMed 25007885; PubMed 28859693.

NM_004006.3(DMD):c.6949G>T (p.Glu2317Ter)

Gene: DMD (dystrophin; minus strand). Cytogenetic location: Xp21.1.
Variant type: single nucleotide variant.
Coding change: c.6949G>T on transcript NM_004006.3 (MANE Select); coding-DNA position 6949, G replaced by T.
Protein change: p.Glu2317Ter; replaces glutamic acid 2317 with a stop codon.
Molecular consequence: nonsense. On other transcripts: 5 prime UTR variant (5).
Genome position (GRCh38, 1-based): chrX:31,875,337, C>A on the plus strand (G>T on the coding strand, the complement: DMD is on the minus strand). VCF-style: chrX-31875337-C-A. GRCh37 (hg19) VCF-style: chrX-31893454-C-A.
Other names: c.6937G>T, p.Glu2313Ter (NM_004009.3); c.6580G>T, p.Glu2194Ter (NM_004010.3); c.2926G>T, p.Glu976Ter (NM_004011.4); c.2917G>T, p.Glu973Ter (NM_004012.4); c.-432G>T (NM_004013.3, NM_004020.4, NM_004021.3 and 2 more transcripts); c.6925G>T, p.Glu2309Ter (NM_000109.4); short protein forms E2194*, E2309*, E2313*, E2317*, E973*, E976*.
Identifiers: ClinVar variation 1322616 (VCV001322616.6), dbSNP rs2149680574, ClinGen allele CA412660193.
Genomic context (GRCh38, chrX:31,875,337, plus strand): 5'-ACTGCTCTTCAAGGTCTTCAAGCTTTTTTTCAAGCTGCCCAAGGTCTTTTATTTGAGCTT[C>A]AATTTCTCCTTGTTTCTCAGGTAAAGCTCTGGAAACCTGAAAGGAAAATACATTTTAAAA-3'